The following is an entry in ClinVar:

ClinVar aggregate classification (germline): Uncertain significance. Review status: criteria provided, multiple submitters, no conflicts (2 of 4 stars). 2 submissions from 2 submitters: Uncertain significance (2). Last evaluated 2023-11-21.

Conditions:
Hereditary nonpolyposis colorectal neoplasms. Identifiers: MedGen C0009405, MeSH D003123.
Hereditary cancer-predisposing syndrome. Also called: Tumor predisposition; Hereditary Cancer Syndrome; Neoplastic Syndromes, Hereditary; Hereditary neoplastic syndrome. Identifiers: Orphanet 140162, MedGen C0027672, MeSH D009386, MONDO:0015356.

Submissions (2):

Labcorp Genetics (formerly Invitae), Labcorp
Classification: Uncertain significance for Hereditary nonpolyposis colorectal neoplasms. Last evaluated: 2023-11-21. Review status: criteria provided, single submitter. Criteria: Invitae Variant Classification Sherloc (09022015). Collection method: clinical testing. Allele origin: germline.
Comment: This sequence change replaces lysine, which is basic and polar, with asparagine, which is neutral and polar, at codon 317 of the MSH6 protein (p.Lys317Asn). This variant is not present in population databases (gnomAD no frequency). This variant has not been reported in the literature in individuals affected with MSH6-related conditions. ClinVar contains an entry for this variant (Variation ID: 823308). Advanced modeling of protein sequence and biophysical properties (such as structural, functional, and spatial information, amino acid conservation, physicochemical variation, residue mobility, and thermodynamic stability) performed at Invitae indicates that this missense variant is not expected to disrupt MSH6 protein function with a negative predictive value of 95%. In summary, the available evidence is currently insufficient to determine the role of this variant in disease. Therefore, it has been classified as a Variant of Uncertain Significance.

Ambry Genetics
Classification: Uncertain significance for Hereditary cancer-predisposing syndrome. Last evaluated: 2019-05-09. Review status: criteria provided, single submitter. Criteria: Ambry Variant Classification Scheme 2023. Collection method: clinical testing. Allele origin: germline.
Comment: The p.K317N variant (also known as c.951G>C), located in coding exon 4 of the MSH6 gene, results from a G to C substitution at nucleotide position 951. The lysine at codon 317 is replaced by asparagine, an amino acid with similar properties. This amino acid position is well conserved through mammals but not in all available vertebrate species. In addition, this alteration is predicted to be tolerated by in silico analysis. Since supporting evidence is limited at this time, the clinical significance of this alteration remains unclear.

NM_000179.3(MSH6):c.951G>C (p.Lys317Asn)

Gene: MSH6 (mutS homolog 6; plus strand). Cytogenetic location: 2p16.3.
Variant type: single nucleotide variant.
Coding change: c.951G>C on transcript NM_000179.3 (MANE Select); coding-DNA position 951, G replaced by C.
Protein change: p.Lys317Asn; replaces lysine 317 with asparagine.
Molecular consequence: missense variant.
Genome position (GRCh38, 1-based): chr2:47,798,934, G>C. VCF-style: chr2-47798934-G-C. GRCh37 (hg19) VCF-style: chr2-48026073-G-C.
Other names: c.561G>C, p.Lys187Asn (NM_001281492.2); c.45G>C, p.Lys15Asn (NM_001281493.2, NM_001281494.2); short protein forms K15N, K187N, K317N.
Identifiers: ClinVar variation 823308 (VCV000823308.7), dbSNP rs1572720985, ClinGen allele CA346740832.